The following is an entry in ClinVar:

ClinVar aggregate classification (germline): Pathogenic (1 of 4 stars; one submission).

Conditions:
Joubert syndrome. Also called: CEREBELLOPARENCHYMAL DISORDER IV; JOUBERT-BOLTSHAUSER SYNDROME; Familial aplasia of the vermis. Identifiers: Orphanet 475, MedGen C5979921, MONDO:0018772.

Submission:

Labcorp Genetics (formerly Invitae), Labcorp
Classification: Pathogenic for Joubert syndrome. Last evaluated: 2023-11-14. Review status: criteria provided, single submitter. Criteria: Invitae Variant Classification Sherloc (09022015). Collection method: clinical testing. Allele origin: germline.
Comment: This sequence change creates a premature translational stop signal (p.Phe410Leufs*4) in the AHI1 gene. It is expected to result in an absent or disrupted protein product. Loss-of-function variants in AHI1 are known to be pathogenic (PMID: 15322546, 16453322, 28442542, 29186038). This variant is not present in population databases (gnomAD no frequency). This variant has not been reported in the literature in individuals affected with AHI1-related conditions. For these reasons, this variant has been classified as Pathogenic.

Literature cited by the submitters: PubMed 15322546; PubMed 16453322; PubMed 28442542; PubMed 29186038.

NM_001134831.2(AHI1):c.1230del (p.Phe410fs)

Gene: AHI1 (Abelson helper integration site 1; minus strand). Cytogenetic location: 6q23.3.
Variant type: Deletion.
Coding change: c.1230del on transcript NM_001134831.2 (MANE Select); coding-DNA position 1230, one base deleted (T; older notation c.1230delT).
Protein change: p.Phe410fs; shifts the reading frame from phenylalanine 410.
Molecular consequence: frameshift variant.
Genome position (GRCh38, 1-based): chr6:135,455,848, A deleted on the plus strand (T on the coding strand, the reverse complement: AHI1 is on the minus strand); the first of 4 consecutive A bases (chr6:135,455,848-135,455,851); deleting any one gives the same sequence. VCF-style (leftmost placement, unchanged base first): chr6-135455847-TA-T. GRCh37 (hg19) VCF-style: chr6-135776985-TA-T.
Other names: c.1230del, p.Phe410fs (NM_001134830.2, NM_001134832.2, NM_001350503.2 and 2 more transcripts); short protein forms F410fs.
Identifiers: ClinVar variation 2695910 (VCV002695910.3), dbSNP rs1788855011, ClinGen allele CA2697553771.